The following is an entry in ClinVar:

ClinVar aggregate classification (germline): Benign. Review status: criteria provided, multiple submitters, no conflicts (2 of 4 stars). 2 submissions from 2 submitters: Benign (2). Last evaluated 2018-06-18.

Allele frequency attached by ClinVar (database versions not stated): gnomAD exomes 0.51836; 1000 Genomes Project 0.53854; 1000 Genomes Project 30x 0.55700; gnomAD 0.64650 and 0.66986; TOPMed 0.66628.
gnomAD v4.1: 287,455 of 515,412 alleles (56%); highest among the groups gnomAD compares: African/African-American, 91%; 88,402 homozygotes.

Submissions (2):

GeneDx
Classification: Benign. Last evaluated: 2018-06-18. Review status: criteria provided, single submitter. Criteria: GeneDx Variant Classification (06012015). Collection method: clinical testing. Allele origin: germline. Affected: yes.
Comment: This variant is considered likely benign or benign based on one or more of the following criteria: it is a conservative change, it occurs at a poorly conserved position in the protein, it is predicted to be benign by multiple in silico algorithms, and/or has population frequency not consistent with disease.

Breakthrough Genomics
Classification: Benign. Review status: criteria provided, single submitter. Criteria: ACMG Guidelines, 2015. Collection method: not provided. Allele origin: germline. Inheritance: Autosomal dominant inheritance. Affected: yes.

NM_002880.4(RAF1):c.1109-261A>G

Gene: RAF1 (Raf-1 proto-oncogene, serine/threonine kinase; minus strand). Cytogenetic location: 3p25.2.
Variant type: single nucleotide variant.
Coding change: c.1109-261A>G on transcript NM_002880.4 (MANE Select); 261 bases into the intron before coding-DNA position 1109, A replaced by G.
Molecular consequence: intron variant.
Genome position (GRCh38, 1-based): chr3:12,592,053, T>C on the plus strand (A>G on the coding strand, the complement: RAF1 is on the minus strand). VCF-style: chr3-12592053-T-C. GRCh37 (hg19) VCF-style: chr3-12633552-T-C.
Other names: c.767-261A>G (NM_001354695.3); c.866-261A>G (NM_001354692.3, NM_001354691.3); c.926-261A>G (NM_001354694.3); c.1010-261A>G (NM_001354693.3); c.1169-261A>G (NM_001354689.3); c.1109-261A>G (NM_001354690.3).
Identifiers: ClinVar variation 561823 (VCV000561823.2), dbSNP rs2442808, ClinGen allele CA11351596.